The following is an entry in ClinVar:

NM_005198.5(CHKB):c.810T>C (p.Tyr270=)

Genes: CHKB (choline kinase beta; minus strand), CHKB-CPT1B (CHKB-CPT1B readthrough (NMD candidate); minus strand). Cytogenetic location: 22q13.33.
Variant type: single nucleotide variant.
Coding change: c.810T>C on transcript NM_005198.5 (MANE Select); coding-DNA position 810, T replaced by C.
Protein change: p.Tyr270=; no amino-acid change (tyrosine 270 retained).
Molecular consequence: synonymous variant. On other transcripts: non-coding transcript variant (1).
Genome position (GRCh38, 1-based): chr22:50,580,198, A>G on the plus strand (T>C on the coding strand, the complement: CHKB is on the minus strand). VCF-style: chr22-50580198-A-G. GRCh37 (hg19) VCF-style: chr22-51018627-A-G.
Other names: c.810T>C (NM_005198.4).
Identifiers: ClinVar variation 1111375 (VCV001111375.11), dbSNP rs750764003, ClinGen allele CA10323631.

ClinVar aggregate classification (germline): Likely benign. Review status: criteria provided, multiple submitters, no conflicts (2 of 4 stars). 2 submissions from 2 submitters: Likely benign (2). Last evaluated 2026-06-28.

Conditions:
CHKB-related disorder. Also called: CHKB-related condition.
Megaconial type congenital muscular dystrophy (MDCMC). Also called: MUSCULAR DYSTROPHY, CONGENITAL, WITH MITOCHONDRIAL STRUCTURAL ABNORMALITIES; CHKB-Related Muscular Dystrophy; CHKB-Related Muscle Diseases. Identifiers: Orphanet 280671, MedGen C1865233, MONDO:0011246, OMIM 602541.

Submissions (2):

PreventionGenetics, part of Exact Sciences
Classification: Likely benign for CHKB-related condition. Last evaluated: 2026-06-28. Review status: criteria provided, single submitter. Criteria: ACMG Guidelines, 2015. Collection method: clinical testing. Allele origin: germline.
Comment: This variant is classified as likely benign based on ACMG/AMP sequence variant interpretation guidelines (Richards et al. 2015 PMID: 25741868, with internal and published modifications).

Labcorp Genetics (formerly Invitae), Labcorp
Classification: Likely benign for Megaconial type congenital muscular dystrophy. Last evaluated: 2026-01-18. Review status: criteria provided, single submitter. Criteria: Invitae Variant Classification Sherloc (09022015). Collection method: clinical testing. Allele origin: germline.